The following is an entry in ClinVar:

NM_198253.3(TERT):c.2005C>T (p.Arg669Trp)

Gene: TERT (telomerase reverse transcriptase; minus strand). Cytogenetic location: 5p15.33.
Variant type: single nucleotide variant.
Coding change: c.2005C>T on transcript NM_198253.3 (MANE Select); coding-DNA position 2005, C replaced by T.
Protein change: p.Arg669Trp; replaces arginine 669 with tryptophan.
Molecular consequence: missense variant. On other transcripts: non-coding transcript variant (2).
Genome position (GRCh38, 1-based): chr5:1,279,416, G>A on the plus strand (C>T on the coding strand, the complement: TERT is on the minus strand). VCF-style: chr5-1279416-G-A. GRCh37 (hg19) VCF-style: chr5-1279531-G-A.
Other names: c.2005C>T, p.Arg669Trp (NM_001193376.3); short protein forms R669W.
Identifiers: ClinVar variation 539196 (VCV000539196.12), dbSNP rs372140951, ClinGen allele CA3184690.

ClinVar aggregate classification (germline): Conflicting classifications of pathogenicity. Review status: criteria provided, conflicting classifications (1 of 4 stars). 4 submissions from 4 submitters: Likely pathogenic (1); Uncertain significance (3). Last evaluated 2025-03-12.

Conditions:
Dyskeratosis congenita. Identifiers: Orphanet 1775, MedGen C0265965, MONDO:0015780.
Dyskeratosis congenita, autosomal dominant 2. Identifiers: MedGen C3151443, MONDO:0013521, OMIM 613989.
Idiopathic Pulmonary Fibrosis. Also called: Idiopathic fibrosing alveolitis, chronic form; idiopathic fibrosing alveolitis. Identifiers: Orphanet 2032, MedGen C1800706, MeSH D054990, MONDO:0800504.
Acute myeloid leukemia (AML). Also called: Leukemia, acute myeloid, somatic; Leukemia, acute myelogenous, somatic; Acute myeloid leukemia, adult; AML adult; Acute non-lymphocytic leukemia; Acute granulocytic leukemia. Identifiers: Orphanet 519, MedGen C0023467, MeSH D015470, MONDO:0018874, OMIM 601626, HP:0004808. Disease mechanism: Constitutively activated FLT3.
Pulmonary fibrosis and/or bone marrow failure, Telomere-related, 1. Also called: PULMONARY FIBROSIS AND/OR BONE MARROW FAILURE SYNDROME, TELOMERE-RELATED, 1. Identifiers: Orphanet 88, MedGen C3553617, MONDO:0013878, OMIM 614742.
Melanoma, cutaneous malignant, susceptibility to, 9. Also called: Cutaneous malignant melanoma 9. Identifiers: Orphanet 618, MedGen C3554574, MONDO:0014056, OMIM 615134.

Allele frequency attached by ClinVar (database versions not stated): gnomAD 0.00001; gnomAD exomes 0.00001 and 0.00002; TOPMed 0.00001; ExAC 0.00006; ESP Exome Variant Server 0.00008.
gnomAD v4.1: 18 of 1,551,682 alleles (0.0012%); highest among the groups gnomAD compares: Non-Finnish European, 0.0015%; no homozygotes.

Submissions (4):

Ambry Genetics
Classification: Uncertain significance for Dyskeratosis congenita. Last evaluated: 2025-03-12. Review status: criteria provided, single submitter. Criteria: Ambry Variant Classification Scheme 2023. Collection method: clinical testing. Allele origin: germline.
Comment: The p.R669W variant (also known as c.2005C>T), located in coding exon 5 of the TERT gene, results from a C to T substitution at nucleotide position 2005. The arginine at codon 669 is replaced by tryptophan, an amino acid with dissimilar properties. This variant showed a significant association with familial pulmonary fibrosis in a cohort of individuals from the Netherlands (van der Vis JJ et al. Chest, 2020 Aug;158:612-619). This amino acid position is highly conserved in available vertebrate species. In addition, this alteration is predicted to be deleterious by in silico analysis. Based on the available evidence, the clinical significance of this variant remains unclear.

Labcorp Genetics (formerly Invitae), Labcorp
Classification: Uncertain significance for Dyskeratosis congenita, autosomal dominant 2; Idiopathic Pulmonary Fibrosis. Last evaluated: 2024-10-18. Review status: criteria provided, single submitter. Criteria: Invitae Variant Classification Sherloc (09022015). Collection method: clinical testing. Allele origin: germline.
Comment: This sequence change replaces arginine, which is basic and polar, with tryptophan, which is neutral and slightly polar, at codon 669 of the TERT protein (p.Arg669Trp). The frequency data for this variant in the population databases is considered unreliable, as metrics indicate poor data quality at this position in the gnomAD database. This missense change has been observed in individual(s) with pulmonary fibrosis and myelodysplastic syndrome (PMID: 32315675, 34019641). ClinVar contains an entry for this variant (Variation ID: 539196). Invitae Evidence Modeling of protein sequence and biophysical properties (such as structural, functional, and spatial information, amino acid conservation, physicochemical variation, residue mobility, and thermodynamic stability) indicates that this missense variant is expected to disrupt TERT protein function with a positive predictive value of 95%. Experimental studies are conflicting or provide insufficient evidence to determine the effect of this variant on TERT function (PMID: 34019641). In summary, the available evidence is currently insufficient to determine the role of this variant in disease. Therefore, it has been classified as a Variant of Uncertain Significance.

Fulgent Genetics
Classification: Likely pathogenic for Acute myeloid leukemia; Dyskeratosis congenita, autosomal dominant 2; Pulmonary fibrosis and/or bone marrow failure, Telomere-related, 1; Melanoma, cutaneous malignant, susceptibility to, 9. Last evaluated: 2024-06-11. Review status: criteria provided, single submitter. Criteria: ACMG Guidelines, 2015. Collection method: clinical testing. Allele origin: germline.

Blueprint Genetics
Classification: Uncertain significance. Last evaluated: 2023-11-01. Review status: criteria provided, single submitter. Criteria: ACMG Guidelines, 2015. Collection method: clinical testing. Allele origin: germline.

Literature cited by the submitters: PubMed 29281671 (cited by Ambry Genetics); PubMed 29891356 (cited by Ambry Genetics); PubMed 32315675 (cited by Ambry Genetics and Labcorp Genetics (formerly Invitae), Labcorp); PubMed 34019641 (cited by Labcorp Genetics (formerly Invitae), Labcorp).